The following is an entry in ClinVar:

ClinVar aggregate classification (germline): Pathogenic (3 of 4 stars; one submission).

Conditions:
Breast-ovarian cancer, familial, susceptibility to, 2 (BROVCA2). Also called: BRCA2 Hereditary Breast and Ovarian Cancer. Identifiers: Orphanet 145, MedGen C2675520, MONDO:0012933, OMIM 612555. Disease mechanism: loss of function.

Submission:

Evidence-based Network for the Interpretation of Germline Mutant Alleles (ENIGMA)
Classification: Pathogenic for Breast-ovarian cancer, familial, susceptibility to, 2. Last evaluated: 2016-09-08. Review status: reviewed by expert panel. Criteria: ENIGMA BRCA1/2 Classification Criteria (2015). Collection method: curation. Allele origin: germline.
Comment: Variant allele predicted to encode a truncated non-functional protein.

NM_000059.4(BRCA2):c.8022_8023del (p.Lys2674fs)

Gene: BRCA2 (BRCA2 DNA repair associated; plus strand). Cytogenetic location: 13q13.1.
Variant type: Deletion.
Coding change: c.8022_8023del on transcript NM_000059.4 (MANE Select); coding-DNA positions 8022 to 8023, 2 bases deleted (GA; older notation c.8022_8023delGA).
Protein change: p.Lys2674fs; shifts the reading frame from lysine 2674.
Molecular consequence: frameshift variant.
Genome position (GRCh38, 1-based): chr13:32,363,224-32,363,225, GA deleted; deleting any 2 consecutive bases within chr13:32,363,223-32,363,225 gives the same sequence; the c. name uses the placement nearest the transcript's 3' end. VCF-style (leftmost placement, unchanged base first): chr13-32363222-AAG-A. GRCh37 (hg19) VCF-style: chr13-32937359-AAG-A.
Other names: c.8022_8023delGA (NM_000059.3); short protein forms K2674fs.
Identifiers: ClinVar variation 254618 (VCV000254618.2), dbSNP rs886038180, ClinGen allele CA10586586.